The following is an entry in ClinVar:

NM_000293.3(PHKB):c.704A>C (p.His235Pro)

Gene: PHKB (phosphorylase kinase regulatory subunit beta; plus strand). Cytogenetic location: 16q12.1.
Variant type: single nucleotide variant.
Coding change: c.704A>C on transcript NM_000293.3 (MANE Select); coding-DNA position 704, A replaced by C.
Protein change: p.His235Pro; replaces histidine 235 with proline.
Molecular consequence: missense variant.
Genome position (GRCh38, 1-based): chr16:47,547,542, A>C. VCF-style: chr16-47547542-A-C. GRCh37 (hg19) VCF-style: chr16-47581453-A-C.
Other names: c.683A>C, p.His228Pro (NM_001031835.3); c.704A>C, p.His235Pro (NM_001363837.1); short protein forms H228P, H235P.
Identifiers: ClinVar variation 3692220 (VCV003692220.2).

ClinVar aggregate classification (germline): Uncertain significance (1 of 4 stars; one submission).

Conditions:
Glycogen storage disease IXb (GSD9B). Also called: GLYCOGENOSIS OF LIVER AND MUSCLE, AUTOSOMAL RECESSIVE; GSD IXb; PHOSPHORYLASE KINASE DEFICIENCY OF LIVER AND MUSCLE, AUTOSOMAL RECESSIVE. Identifiers: Orphanet 79240, MedGen C0543514, MONDO:0009868, OMIM 261750.

Submission:

Labcorp Genetics (formerly Invitae), Labcorp
Classification: Uncertain significance for Glycogen storage disease IXb. Last evaluated: 2024-07-04. Review status: criteria provided, single submitter. Criteria: Invitae Variant Classification Sherloc (09022015). Collection method: clinical testing. Allele origin: germline.
Comment: This sequence change replaces histidine, which is basic and polar, with proline, which is neutral and non-polar, at codon 235 of the PHKB protein (p.His235Pro). This variant is not present in population databases (gnomAD no frequency). This variant has not been reported in the literature in individuals affected with PHKB-related conditions. An algorithm developed to predict the effect of missense changes on protein structure and function (PolyPhen-2) suggests that this variant is likely to be disruptive. In summary, the available evidence is currently insufficient to determine the role of this variant in disease. Therefore, it has been classified as a Variant of Uncertain Significance.